The following is an entry in ClinVar:

ClinVar aggregate classification (germline): Uncertain significance (1 of 4 stars; one submission).

Conditions:
Primary ciliary dyskinesia. Also called: Ciliary dyskinesia. Identifiers: Orphanet 244, MedGen C0008780, MONDO:0016575, HP:0012265.

Submission:

Labcorp Genetics (formerly Invitae), Labcorp
Classification: Uncertain significance for Primary ciliary dyskinesia. Last evaluated: 2025-12-17. Review status: criteria provided, single submitter. Criteria: Invitae Variant Classification Sherloc (09022015). Collection method: clinical testing. Allele origin: germline.
Comment: This sequence change replaces glutamic acid, which is acidic and polar, with lysine, which is basic and polar, at codon 1514 of the DNAH8 protein (p.Glu1514Lys). This variant is not present in population databases (gnomAD no frequency). This variant has not been reported in the literature in individuals affected with DNAH8-related conditions. Invitae Evidence Modeling of protein sequence and biophysical properties (such as structural, functional, and spatial information, amino acid conservation, physicochemical variation, residue mobility, and thermodynamic stability) indicates that this missense variant is not expected to disrupt DNAH8 protein function with a negative predictive value of 80%. In summary, the available evidence is currently insufficient to determine the role of this variant in disease. Therefore, it has been classified as a Variant of Uncertain Significance.

NM_001206927.2(DNAH8):c.4540G>A (p.Glu1514Lys)

Gene: DNAH8 (dynein axonemal heavy chain 8; plus strand). Cytogenetic location: 6p21.2.
Variant type: single nucleotide variant.
Coding change: c.4540G>A on transcript NM_001206927.2 (MANE Select); coding-DNA position 4540, G replaced by A.
Protein change: p.Glu1514Lys; replaces glutamic acid 1514 with lysine.
Molecular consequence: missense variant.
Genome position (GRCh38, 1-based): chr6:38,842,441, G>A. VCF-style: chr6-38842441-G-A. GRCh37 (hg19) VCF-style: chr6-38810217-G-A.
Other names: c.3889G>A, p.Glu1297Lys (NM_001371.4); short protein forms E1297K, E1514K.
Identifiers: ClinVar variation 4744533 (VCV004744533.1).